The following is an entry in ClinVar:

GRCh37/hg19 22q11.1-11.21(chr22:16800000-21500000)x4

Genes: ADA2 (adenosine deaminase 2; minus strand), AIFM3 (AIF family member 3; plus strand), ARVCF (ARVCF delta catenin family member; minus strand), ATP6V1E1 (ATPase H+ transporting V1 subunit E1; minus strand), BCL2L13 (BCL2 like 13; plus strand) and 59 more. Cytogenetic location: 22q11.1-11.21.
Variant type: copy number gain.
Change: copy number 4 of chr22:16,800,000-21,500,000 (4.70 Mb, GRCh37 coordinates, 1-based), cytogenetic band 22q11.1-11.21.
Identifiers: ClinVar variation 988911 (VCV000988911.4).

ClinVar aggregate classification (germline): Pathogenic (1 of 4 stars; one submission).

Submission:

Illumina Laboratory Services, Illumina
Classification: Pathogenic. Last evaluated: 2020-10-07. Review status: criteria provided, single submitter. Criteria: ICSL CNVClassificationCriteria Aug2020. Collection method: clinical testing. Allele origin: unknown.
Comment: This CNV is a 4.7 Mb duplication of chromosome 22 at 22q11.1-q11.21 resulting in four copies of the region, (seq[GRCh37](dup)(22)(q11.1q11.21);chr22:g.16800000_21500000dup). This CNV constitutes a gain encompassing 63 protein coding genes. Partial tetrasomy of this region is associated with cat eye syndrome (CES) and usually takes the form of a supernumerary, bisatellited marker chromosome 22, or inv dup(22)(pter-q11.2) (Rosias et al. 2001; McDermid and Morrow 2002). Over 100 patients with CES have described in the literature. Considerable phenotypic variability is observed. Major features include preauricular skin tags/pits or other ear malformations, anorectal malformations, urogenital malformations, eye anomalies, and congenital heart defects. More variable minor features include dysmorphic facial features such as hypertelorism and micrognathia, orthopedic malformations such as digit anomalies, and abdominal malformations. Intellectual disability and other neurological findings may also be present (Rosias et al. 2001; McDermid and Morrow 2002; Denavit et al. 2004). The CES critical region has been narrowed to the most proximal 2 - 2.5 Mb of 22q11. Within this region, the CECR1 gene is a candidate for the heart and facial defects, while the CECR2 gene is a candidate for eye anomalies. Due to the presence of low-copy repeats in the region, two clusters of chromosomal duplication breakpoints are observed, producing three different CES gains defined by copy number of the nearby 22q11.2 deletion syndrome region (McTaggart et al. 1998). It is noted though that disease severity and specific phenotypic features do not seem to be linked to gain size. Similar gains have not been reported in controls. Based on the collective evidence, this CNV is classified as pathogenic.

Literature cited by the submitters: PubMed 11693792; PubMed 11925570; PubMed 15658620; PubMed 9730608.